The following is an entry in ClinVar:

ClinVar aggregate classification (germline): Conflicting classifications of pathogenicity. Review status: criteria provided, conflicting classifications (1 of 4 stars). 3 submissions from 3 submitters: Uncertain significance (2); Benign (1). Last evaluated 2025-08-03.

Conditions:
Inborn genetic diseases. Identifiers: MedGen C0950123, MeSH D030342.
Bethlem myopathy 1A. Also called: Bethlem myopathy 1; MYOPATHY, BENIGN CONGENITAL, WITH CONTRACTURES; Bethlem Muscular Dystrophy. Identifiers: Orphanet 610, MedGen CN029274, MONDO:0024530, OMIM 158810.

Allele frequency attached by ClinVar (database versions not stated): gnomAD exomes 0.00004; ExAC 0.00005; gnomAD 0.00005 and 0.00006; TOPMed 0.00007; ESP Exome Variant Server 0.00008.

Submissions (3):

Labcorp Genetics (formerly Invitae), Labcorp
Classification: Benign for Bethlem myopathy 1A. Last evaluated: 2025-08-03. Review status: criteria provided, single submitter. Criteria: Invitae Variant Classification Sherloc (09022015). Collection method: clinical testing. Allele origin: germline.

Ambry Genetics
Classification: Uncertain significance for Inborn genetic diseases. Last evaluated: 2025-02-24. Review status: criteria provided, single submitter. Criteria: Ambry Variant Classification Scheme 2023. Collection method: clinical testing. Allele origin: germline.

GeneDx
Classification: Uncertain significance. Last evaluated: 2017-06-09. Review status: criteria provided, single submitter. Criteria: GeneDx Variant Classification (06012015). Collection method: clinical testing. Allele origin: germline. Affected: yes.
Comment: A variant of uncertain significance has been identified in the COL6A3 gene. The R1632W variant has not been published as a pathogenic variant, nor has it been reported as a benign variant to our knowledge. The R1632W variant is observed in 3/11554 (0.03%) alleles from individuals of Latino background in large population cohorts (Leket al., 2016). The R1632W variant is a non-conservative amino acid substitution, which is likely to impact secondary protein structure as these residues differ in polarity, charge, size and/or other properties. However, thissubstitution occurs at a position that is not conserved, and in silico analysis predicts this variant likely does not alter the protein structure/function. Therefore, based on the currently available information, it is unclear whether this variant is a pathogenic variant or a rare benign variant.

NM_004369.4(COL6A3):c.4894C>T (p.Arg1632Trp)

Gene: COL6A3 (collagen type VI alpha 3 chain; minus strand). Cytogenetic location: 2q37.3.
Variant type: single nucleotide variant.
Coding change: c.4894C>T on transcript NM_004369.4 (MANE Select); coding-DNA position 4894, C replaced by T.
Protein change: p.Arg1632Trp; replaces arginine 1632 with tryptophan.
Molecular consequence: missense variant.
Genome position (GRCh38, 1-based): chr2:237,368,569, G>A on the plus strand (C>T on the coding strand, the complement: COL6A3 is on the minus strand). VCF-style: chr2-237368569-G-A. GRCh37 (hg19) VCF-style: chr2-238277212-G-A.
Other names: c.3073C>T, p.Arg1025Trp (NM_057166.5); c.4276C>T, p.Arg1426Trp (NM_057167.4); short protein forms R1632W, R1426W, R1025W.
Identifiers: ClinVar variation 432635 (VCV000432635.8), dbSNP rs113755498, ClinGen allele CA2188792.